The following is an entry in ClinVar:

NM_001130987.2(DYSF):c.5648T>C (p.Met1883Thr)

Gene: DYSF (dysferlin; plus strand). Cytogenetic location: 2p13.2.
Variant type: single nucleotide variant.
Coding change: c.5648T>C on transcript NM_001130987.2 (MANE Select); coding-DNA position 5648, T replaced by C.
Protein change: p.Met1883Thr; replaces methionine 1883 with threonine.
Molecular consequence: missense variant.
Genome position (GRCh38, 1-based): chr2:71,669,610, T>C. VCF-style: chr2-71669610-T-C. GRCh37 (hg19) VCF-style: chr2-71896740-T-C.
Other names: c.5534T>C, p.Met1845Thr (NM_001130455.2); c.5489T>C, p.Met1830Thr (NM_001130976.2); c.5552T>C, p.Met1851Thr (NM_001130977.2); c.5594T>C, p.Met1865Thr (NM_001130978.2); c.5624T>C, p.Met1875Thr (NM_001130979.2); c.5582T>C, p.Met1861Thr (NM_001130980.2); c.5645T>C, p.Met1882Thr (NM_001130981.2); c.5627T>C, p.Met1876Thr (NM_001130982.2); and 5 more; short protein forms M1831T, M1866T, M1845T, M1851T, M1861T, M1865T, M1882T, M1883T.
Identifiers: ClinVar variation 5003293 (VCV005003293.1).
Genomic context (GRCh38, chr2:71,669,610, plus strand): 5'-TATACTGTGTTGGAAATCTTAATGAGAACTATTCTCTAAAAACATGTATGTCTAGTTGGA[T>C]GATTGGCTTTGAAGAACACAAGCAAAAGACAGACGTGCATTATCGTTCCCTGGGAGGTGA-3'
Protein context (NP_001124459.1, residues 1873-1893): KMSDIYVKGW[Met1883Thr]IGFEEHKQKT

ClinVar aggregate classification (germline): Uncertain significance (1 of 4 stars; one submission).

Conditions:
Autosomal recessive limb-girdle muscular dystrophy. Identifiers: Orphanet 102015, MedGen C2931907, MONDO:0015152.

Submission:

Myriad Genetics, Inc.
Classification: Uncertain significance for Autosomal recessive limb-girdle muscular dystrophy. Last evaluated: 2026-08-18. Review status: criteria provided, single submitter. Criteria: Myriad Autosomal Dominant, Autosomal Recessive and X-Linked Classification Criteria (2023). Collection method: clinical testing. Allele origin: unknown.
Comment: NM_003494.3(DYSF):c.5531T>C(M1844T) is a missense variant classified as a variant of uncertain significance in the context of dysferlinopathy. M1844T has been observed in cases with relevant disease (PMID: 39678382). Relevant functional assessments of this variant are not available in the literature. M1844T has been observed in referenced population frequency databases. In summary, there is insufficient evidence to classify NM_003494.3(DYSF):c.5531T>C(M1844T) as pathogenic or benign. Please note: this variant was assessed in the context of healthy population screening.

Literature cited by the submitters: PubMed 39678382.